The following is an entry in ClinVar:

ClinVar aggregate classification (germline): Uncertain significance. Review status: criteria provided, multiple submitters, no conflicts (2 of 4 stars). 2 submissions from 2 submitters: Uncertain significance (2). Last evaluated 2025-11-04.

Conditions:
Seizures, benign familial infantile, 3 (BFIS3). Also called: CONVULSIONS, BENIGN FAMILIAL INFANTILE, 3; Familial neonatal seizures. Identifiers: Orphanet 140927, Orphanet 306, MedGen C1843140, MONDO:0011904, OMIM 607745.
Developmental and epileptic encephalopathy, 11 (DEE11). Also called: Early infantile epileptic encephalopathy 11. Identifiers: Orphanet 1934, MedGen C3150987, MONDO:0013388, OMIM 613721.

Submissions (2):

3billion
Classification: Uncertain significance for Developmental and epileptic encephalopathy, 11. Last evaluated: 2025-11-04. Review status: criteria provided, single submitter. Criteria: ACMG Guidelines, 2015. Collection method: clinical testing. Allele origin: germline. Affected: yes.
Comment: The variant is not observed in the gnomAD v4.1.0 dataset. Predicted Consequence/Location: Missense variant In silico tool predictions suggest damaging effect of the variant on gene or gene product [REVEL: 0.75 (>=0.6, sensitivity 0.68 and specificity 0.92); 3Cnet: 1.00 (> 0.75, sensitivity 0.96 and precision 0.92)]. A different missense change at the same codon (p.Leu886Ser) has been reported to be associated with SCN2A-related disorder (ClinVar ID: VCV000206972 /PMID: 29655203). However the evidence of pathogenicity is insufficient at this time. Therefore, this variant is classified as VUS according to the recommendation of ACMG/AMP guideline.

Labcorp Genetics (formerly Invitae), Labcorp
Classification: Uncertain significance for Seizures, benign familial infantile, 3; Developmental and epileptic encephalopathy, 11. Last evaluated: 2022-01-26. Review status: criteria provided, single submitter. Criteria: Invitae Variant Classification Sherloc (09022015). Collection method: clinical testing. Allele origin: germline.
Comment: This sequence change replaces leucine, which is neutral and non-polar, with valine, which is neutral and non-polar, at codon 886 of the SCN2A protein (p.Leu886Val). This variant is not present in population databases (gnomAD no frequency). This variant has not been reported in the literature in individuals affected with SCN2A-related conditions. Algorithms developed to predict the effect of missense changes on protein structure and function are either unavailable or do not agree on the potential impact of this missense change (SIFT: "Deleterious"; PolyPhen-2: "Possibly Damaging"; Align-GVGD: "Class C0"). In summary, the available evidence is currently insufficient to determine the role of this variant in disease. Therefore, it has been classified as a Variant of Uncertain Significance.

Literature cited by the submitters: PubMed 29655203 (cited by 3billion).

NM_001040142.2(SCN2A):c.2656T>G (p.Leu886Val)

Gene: SCN2A (sodium voltage-gated channel alpha subunit 2; plus strand). Cytogenetic location: 2q24.3.
Variant type: single nucleotide variant.
Coding change: c.2656T>G on transcript NM_001040142.2 (MANE Select); coding-DNA position 2656, T replaced by G.
Protein change: p.Leu886Val; replaces leucine 886 with valine.
Molecular consequence: missense variant.
Genome position (GRCh38, 1-based): chr2:165,344,648, T>G. VCF-style: chr2-165344648-T-G. GRCh37 (hg19) VCF-style: chr2-166201158-T-G.
Other names: c.2656T>G, p.Leu886Val (NM_001040143.2, NM_001371246.1, NM_001371247.1 and 1 more transcripts); short protein forms L886V.
Identifiers: ClinVar variation 2065720 (VCV002065720.6), dbSNP rs2468007517, ClinGen allele CA349014206.